The following is an entry in ClinVar:

NM_182641.4(BPTF):c.7497G>C (p.Glu2499Asp)

Gene: BPTF (bromodomain PHD finger transcription factor; plus strand). Cytogenetic location: 17q24.2.
Variant type: single nucleotide variant.
Coding change: c.7497G>C on transcript NM_182641.4 (MANE Select); coding-DNA position 7497, G replaced by C.
Protein change: p.Glu2499Asp; replaces glutamic acid 2499 with aspartic acid.
Molecular consequence: missense variant. On other transcripts: intron variant (1).
Genome position (GRCh38, 1-based): chr17:67,946,205, G>C. VCF-style: chr17-67946205-G-C. GRCh37 (hg19) VCF-style: chr17-65942321-G-C.
Other names: c.7566+309G>C (NM_004459.7); short protein forms E2499D.
Identifiers: ClinVar variation 1690564 (VCV001690564.2), dbSNP rs2147952921, ClinGen allele CA400725423.

ClinVar aggregate classification (germline): Uncertain significance (1 of 4 stars; one submission).

Submission:

Laboratorio de Genetica e Diagnostico Molecular, Hospital Israelita Albert Einstein
Classification: Uncertain significance. Last evaluated: 2022-01-31. Review status: criteria provided, single submitter. Criteria: ACMG Guidelines, 2015. Collection method: clinical testing. Allele origin: germline. Affected: yes.
Comment: ACMG classification criteria: PM2, BP4